The following is an entry in ClinVar:

ClinVar aggregate classification (germline): Uncertain significance (1 of 4 stars; one submission).

Submission:

GeneDx
Classification: Uncertain significance. Last evaluated: 2016-10-19. Review status: criteria provided, single submitter. Criteria: GeneDx Variant Classification (06012015). Collection method: clinical testing. Allele origin: germline. Affected: yes.
Comment: The D611G variant in the DLG3 gene has not been reported previously as a pathogenic variant, nor as a benign variant, to our knowledge. The D611G variant was not observed in approximately 6500 individuals of European and African American ancestry in the NHLBI Exome Sequencing Project, indicating it is not a common benign variant in these populations. The D611G variant is a non-conservative amino acid substitution, which is likely to impact secondary protein structure as these residues differ in polarity, charge, size and/or other properties. This substitution occurs at a position that is conserved across species. In silico analysis predicts this variant is probably damaging to the protein structure/function. We interpret D611G as a variant of uncertain significance.

NM_021120.4(DLG3):c.1832A>G (p.Asp611Gly)

Gene: DLG3 (discs large MAGUK scaffold protein 3; plus strand). Cytogenetic location: Xq13.1.
Variant type: single nucleotide variant.
Coding change: c.1832A>G on transcript NM_021120.4 (MANE Select); coding-DNA position 1832, A replaced by G.
Protein change: p.Asp611Gly; replaces aspartic acid 611 with glycine.
Molecular consequence: missense variant.
Genome position (GRCh38, 1-based): chrX:70,498,532, A>G. VCF-style: chrX-70498532-A-G. GRCh37 (hg19) VCF-style: chrX-69718382-A-G.
Other names: c.479A>G, p.Asp160Gly (NM_001166278.2); c.917A>G, p.Asp306Gly (NM_020730.3); short protein forms D611G, D306G, D160G.
Identifiers: ClinVar variation 422451 (VCV000422451.2), dbSNP rs1064795788, ClinGen allele CA16621481.